The following is an entry in ClinVar:

NM_020922.5(WNK3):c.3665A>C (p.Asp1222Ala)

Gene: WNK3 (WNK lysine deficient protein kinase 3; minus strand). Cytogenetic location: Xp11.22.
Variant type: single nucleotide variant.
Coding change: c.3665A>C on transcript NM_020922.5 (MANE Select); coding-DNA position 3665, A replaced by C.
Protein change: p.Asp1222Ala; replaces aspartic acid 1222 with alanine.
Molecular consequence: missense variant.
Genome position (GRCh38, 1-based): chrX:54,239,086, T>G on the plus strand (A>C on the coding strand, the complement: WNK3 is on the minus strand). VCF-style: chrX-54239086-T-G. GRCh37 (hg19) VCF-style: chrX-54265519-T-G.
Other names: c.3665A>C, p.Asp1222Ala (NM_001002838.4, NM_001395166.1); short protein forms D1222A.
Identifiers: ClinVar variation 2682360 (VCV002682360.1), dbSNP rs782158806, ClinGen allele CA10424305.

ClinVar aggregate classification (germline): Uncertain significance (1 of 4 stars; one submission).

Allele frequency attached by ClinVar (database versions not stated): gnomAD exomes below 0.00001; ExAC 0.00001.
gnomAD v4.1: 1 of 1,138,502 alleles (0.000088%); highest among the groups gnomAD compares: Admixed American, 0.0026%; no homozygotes.

Submission:

Women's Health and Genetics/Laboratory Corporation of America, LabCorp
Classification: Uncertain significance. Last evaluated: 2023-11-01. Review status: criteria provided, single submitter. Criteria: LabCorp Variant Classification Summary - May 2015. Collection method: clinical testing. Allele origin: germline.
Comment: Variant summary: WNK3 c.3665A>C (p.Asp1222Ala) results in a non-conservative amino acid change in the encoded protein sequence. Three of five in-silico tools predict a benign effect of the variant on protein function. The variant allele was found at a frequency of 6.8e-06 in 146122 control chromosomes (gnomAD). The available data on variant occurrences in the general population are insufficient to allow any conclusion about variant significance. To our knowledge, no occurrence of c.3665A>C in individuals affected with WNK3-Related Disorders and no experimental evidence demonstrating its impact on protein function have been reported. No submitters have cited clinical-significance assessments for this variant to ClinVar after 2014. Based on the evidence outlined above, the variant was classified as uncertain significance.